The following is an entry in ClinVar:

NM_000059.4(BRCA2):c.416T>G (p.Leu139Arg)

Gene: BRCA2 (BRCA2 DNA repair associated; plus strand). Cytogenetic location: 13q13.1.
Variant type: single nucleotide variant.
Coding change: c.416T>G on transcript NM_000059.4 (MANE Select); coding-DNA position 416, T replaced by G.
Protein change: p.Leu139Arg; replaces leucine 139 with arginine.
Molecular consequence: missense variant.
Genome position (GRCh38, 1-based): chr13:32,325,175, T>G. VCF-style: chr13-32325175-T-G. GRCh37 (hg19) VCF-style: chr13-32899312-T-G.
Other names: c.416T>G, p.Leu139Arg (NM_001406721.1, NM_001406719.1, NM_001406720.1); c.47T>G, p.Leu16Arg (NM_001406722.1); short protein forms L16R, L139R.
Identifiers: ClinVar variation 1738417 (VCV001738417.5), dbSNP rs80358660, ClinGen allele CA6940356.
Genomic context (GRCh38, chr13:32,325,175, plus strand): 5'-CAGTGAAAACTAAAATGGATCAAGCAGATGATGTTTCCTGTCCACTTCTAAATTCTTGTC[T>G]TAGTGAAAGGTATGATGAAGCTATTATATTAAAATATTTAAATGAAACATTTTCCTACAT-3'
Protein context (NP_000050.3, residues 129-149): DVSCPLLNSC[Leu139Arg]SESPVVLQCT

ClinVar aggregate classification (germline): Conflicting classifications of pathogenicity. Review status: criteria provided, conflicting classifications (1 of 4 stars). 3 submissions from 3 submitters: Uncertain significance (2); Likely benign (1). Last evaluated 2024-12-15.

Conditions:
BRCA2-related cancer predisposition. Identifiers: MedGen CN377758, MONDO:0700269.
Hereditary cancer-predisposing syndrome. Also called: Hereditary Cancer Syndrome; Hereditary neoplastic syndrome; Neoplastic Syndromes, Hereditary; Tumor predisposition. Identifiers: Orphanet 140162, MedGen C0027672, MeSH D009386, MONDO:0015356.
Hereditary breast ovarian cancer syndrome. Also called: Hereditary breast and ovarian cancer syndrome (HBOC); Hereditary breast and ovarian cancer syndrome; Breast and ovarian cancer; Hereditary breast and/or ovarian cancer syndrome; Hereditary breast and ovarian cancer; BRCA1- and BRCA2-Associated Hereditary Breast and Ovarian Cancer. Identifiers: Orphanet 145, MedGen C0677776, MeSH D061325, MONDO:0003582. Disease mechanism: loss of function.

Allele frequency attached by ClinVar (database versions not stated): ExAC 0.00001.
gnomAD v4.1: 6 of 1,575,060 alleles (0.00038%); highest among the groups gnomAD compares: South Asian, 0.0067%; no homozygotes.

Submissions (3):

Labcorp Genetics (formerly Invitae), Labcorp
Classification: Uncertain significance for Hereditary breast ovarian cancer syndrome. Last evaluated: 2024-12-15. Review status: criteria provided, single submitter. Criteria: Invitae Variant Classification Sherloc (09022015). Collection method: clinical testing. Allele origin: germline.
Comment: This sequence change replaces leucine, which is neutral and non-polar, with arginine, which is basic and polar, at codon 139 of the BRCA2 protein (p.Leu139Arg). This variant is present in population databases (rs80358660, gnomAD 0.003%). This variant has not been reported in the literature in individuals affected with BRCA2-related conditions. ClinVar contains an entry for this variant (Variation ID: 1738417). Invitae Evidence Modeling of protein sequence and biophysical properties (such as structural, functional, and spatial information, amino acid conservation, physicochemical variation, residue mobility, and thermodynamic stability) indicates that this missense variant is not expected to disrupt BRCA2 protein function with a negative predictive value of 95%. In summary, the available evidence is currently insufficient to determine the role of this variant in disease. Therefore, it has been classified as a Variant of Uncertain Significance.

Department of Pathology and Laboratory Medicine, Sinai Health System
Classification: Likely benign for BRCA2-related cancer predisposition. Last evaluated: 2024-07-19. Review status: criteria provided, single submitter. Criteria: ACMG Guidelines, 2015. Collection method: clinical testing. Allele origin: germline. Affected: no.

Ambry Genetics
Classification: Uncertain significance for Hereditary cancer-predisposing syndrome. Last evaluated: 2024-03-06. Review status: criteria provided, single submitter. Criteria: Ambry Variant Classification Scheme 2023. Collection method: clinical testing. Allele origin: germline.
Comment: The p.L139R variant (also known as c.416T>G), located in coding exon 3 of the BRCA2 gene, results from a T to G substitution at nucleotide position 416. The leucine at codon 139 is replaced by arginine, an amino acid with dissimilar properties. This amino acid position is conserved. In addition, this alteration is predicted to be tolerated by in silico analysis. Since supporting evidence is limited at this time, the clinical significance of this alteration remains unclear.